The following is an entry in ClinVar:

NM_052867.4(NALCN):c.4850C>G (p.Thr1617Ser)

Gene: NALCN (sodium leak channel, non-selective; minus strand). Cytogenetic location: 13q32.3.
Variant type: single nucleotide variant.
Coding change: c.4850C>G on transcript NM_052867.4 (MANE Select); coding-DNA position 4850, C replaced by G.
Protein change: p.Thr1617Ser; replaces threonine 1617 with serine.
Molecular consequence: missense variant.
Genome position (GRCh38, 1-based): chr13:101,059,873, G>C on the plus strand (C>G on the coding strand, the complement: NALCN is on the minus strand). VCF-style: chr13-101059873-G-C. GRCh37 (hg19) VCF-style: chr13-101712225-G-C.
Other names: c.4937C>G, p.Thr1646Ser (NM_001350748.2); c.4850C>G, p.Thr1617Ser (NM_001350749.2); c.4763C>G, p.Thr1588Ser (NM_001350750.2, NM_001350751.2); short protein forms T1646S, T1588S, T1617S.
Identifiers: ClinVar variation 2591725 (VCV002591725.5), dbSNP rs911906713, ClinGen allele CA255392920.
Genomic context (GRCh38, chr13:101,059,873, plus strand): 5'-CATACCTCAGGTTGCATGCTGTTGTCCTGACTGTTGGCATTCGTGTCCTCACTGGGCTGG[G>C]TGGTCTCGATGCTGGGCGGGTTCAGAAACCGGCTCAGCTCTTGCTGCTGACTCTCTCTCA-3'
Protein context (NP_443099.1, residues 1607-1627): RFLNPPSIET[Thr1617Ser]QPSEDTNANS

ClinVar aggregate classification (germline): Uncertain significance. Review status: criteria provided, multiple submitters, no conflicts (2 of 4 stars). 2 submissions from 2 submitters: Uncertain significance (2). Last evaluated 2023-06-29.

Conditions:
Inborn genetic diseases. Identifiers: MedGen C0950123, MeSH D030342.

gnomAD v4.1: 4 of 1,614,038 alleles (0.00025%); highest among the groups gnomAD compares: Non-Finnish European, 0.00034%; no homozygotes.

Submissions (2):

Ambry Genetics
Classification: Uncertain significance for Inborn genetic diseases. Last evaluated: 2023-06-29. Review status: criteria provided, single submitter. Criteria: Ambry Variant Classification Scheme 2023. Collection method: clinical testing. Allele origin: germline.

Labcorp Genetics (formerly Invitae), Labcorp
Classification: Uncertain significance. Last evaluated: 2023-02-20. Review status: criteria provided, single submitter. Criteria: Invitae Variant Classification Sherloc (09022015). Collection method: clinical testing. Allele origin: germline.
Comment: This variant has not been reported in the literature in individuals affected with NALCN-related conditions. This sequence change replaces threonine, which is neutral and polar, with serine, which is neutral and polar, at codon 1617 of the NALCN protein (p.Thr1617Ser). This variant is present in population databases (no rsID available, gnomAD 0.002%). Advanced modeling of protein sequence and biophysical properties (such as structural, functional, and spatial information, amino acid conservation, physicochemical variation, residue mobility, and thermodynamic stability) performed at Invitae indicates that this missense variant is not expected to disrupt NALCN protein function. In summary, the available evidence is currently insufficient to determine the role of this variant in disease. Therefore, it has been classified as a Variant of Uncertain Significance.